The following is an entry in ClinVar:

ClinVar aggregate classification (germline): Likely pathogenic. Review status: criteria provided, single submitter (1 of 4 stars). 2 submissions from 2 submitters: Likely pathogenic (1). 1 of the submissions does not count toward it. Last evaluated 2018-10-15.

Conditions:
Glycosylphosphatidylinositol biosynthesis defect 16. Also called: MENTAL RETARDATION, AUTOSOMAL RECESSIVE 62. Identifiers: MedGen C4540521, MONDO:0040500, OMIM 617816.

Allele frequency attached by ClinVar (database versions not stated): TOPMed below 0.00001; gnomAD 0.00001.
gnomAD v4.1: 1 of 1,614,134 alleles (0.000062%); no homozygotes.

Submissions (2):

SIB Swiss Institute of Bioinformatics
Classification: Likely pathogenic for Glycosylphosphatidylinositol biosynthesis defect 16. Last evaluated: 2018-10-15. Review status: criteria provided, single submitter. Criteria: ACMG Guidelines, 2015. Collection method: curation. Allele origin: germline.
Comment: This variant is interpreted as Likely Pathogenic, for Glycosylphosphatidylinositol biosynthesis defect 16, autosomal recessive. The following ACMG Tag(s) were applied: PP3 => Multiple lines of computational evidence support a deleterious effect on the gene or gene product. PM2 => Absent from controls (or at extremely low frequency if recessive) in Exome Sequencing Project, 1000 Genomes Project, or Exome Aggregation Consortium. PS3-Moderate => PS3 downgraded in strength to Moderate (PubMed 27694521). PM3-Supporting => PM3 downgraded in strength to Supporting.

OMIM
Classification: Pathogenic for GLYCOSYLPHOSPHATIDYLINOSITOL BIOSYNTHESIS DEFECT 16. Last evaluated: 2017-12-21. Review status: no assertion criteria provided. Collection method: literature only. Allele origin: germline. Not counted in ClinVar's aggregate classification.

Literature cited by the submitters: PubMed 27694521 (cited by SIB Swiss Institute of Bioinformatics and OMIM).

NM_153747.2(PIGC):c.635T>C (p.Leu212Pro)

Genes: C1orf105 (chromosome 1 open reading frame 105; plus strand), PIGC (phosphatidylinositol glycan anchor biosynthesis class C; minus strand). Cytogenetic location: 1q24.3.
Variant type: single nucleotide variant.
Coding change: c.635T>C on transcript NM_153747.2 (MANE Select); coding-DNA position 635, T replaced by C.
Protein change: p.Leu212Pro; replaces leucine 212 with proline.
Molecular consequence: missense variant. On other transcripts: intron variant (1).
Genome position (GRCh38, 1-based): chr1:172,441,988, A>G on the plus strand (T>C on the coding strand, the complement: PIGC is on the minus strand). VCF-style: chr1-172441988-A-G. GRCh37 (hg19) VCF-style: chr1-172411128-A-G.
Other names: c.635T>C, p.Leu212Pro (NM_002642.4); c.22-3085A>G (NM_139240.4); short protein forms L212P.
Identifiers: ClinVar variation 471154 (VCV000471154.2), dbSNP rs1553259602, ClinGen allele CA343731732.